The following is an entry in ClinVar:

NM_001105206.3(LAMA4):c.4622A>C (p.Lys1541Thr)

Gene: LAMA4 (laminin subunit alpha 4; minus strand). Cytogenetic location: 6q21.
Variant type: single nucleotide variant.
Coding change: c.4622A>C on transcript NM_001105206.3 (MANE Select); coding-DNA position 4622, A replaced by C.
Protein change: p.Lys1541Thr; replaces lysine 1541 with threonine.
Molecular consequence: missense variant.
Genome position (GRCh38, 1-based): chr6:112,120,326, T>G on the plus strand (A>C on the coding strand, the complement: LAMA4 is on the minus strand). VCF-style: chr6-112120326-T-G. GRCh37 (hg19) VCF-style: chr6-112441529-T-G.
Other names: c.4601A>C, p.Lys1534Thr (NM_001105207.3, NM_002290.5); short protein forms K1534T, K1541T.
Identifiers: ClinVar variation 1741826 (VCV001741826.2), dbSNP rs1778274401, ClinGen allele CA365369263.

ClinVar aggregate classification (germline): Uncertain significance (1 of 4 stars; one submission).

Conditions:
Cardiovascular phenotype. Identifiers: MedGen CN230736.

Allele frequency attached by ClinVar (database versions not stated): gnomAD exomes below 0.00001; TOPMed below 0.00001.
gnomAD v4.1: 2 of 1,614,038 alleles (0.00012%); highest among the groups gnomAD compares: Non-Finnish European, 0.000085%; no homozygotes.

Submission:

Ambry Genetics
Classification: Uncertain significance for Cardiovascular phenotype. Last evaluated: 2022-06-14. Review status: criteria provided, single submitter. Criteria: Ambry Variant Classification Scheme 2023. Collection method: clinical testing. Allele origin: germline.
Comment: The p.K1534T variant (also known as c.4601A>C), located in coding exon 32 of the LAMA4 gene, results from an A to C substitution at nucleotide position 4601. The lysine at codon 1534 is replaced by threonine, an amino acid with similar properties. This amino acid position is conserved. In addition, the in silico prediction for this alteration is inconclusive. Since supporting evidence is limited at this time, the clinical significance of this alteration remains unclear.